The following is an entry in ClinVar:

NM_004946.3(DOCK2):c.2993+6C>T

Gene: DOCK2 (dedicator of cytokinesis 2; plus strand). Cytogenetic location: 5q35.1.
Variant type: single nucleotide variant.
Coding change: c.2993+6C>T on transcript NM_004946.3 (MANE Select); 6 bases into the intron after coding-DNA position 2993, C replaced by T.
Molecular consequence: intron variant.
Genome position (GRCh38, 1-based): chr5:169,985,928, C>T. VCF-style: chr5-169985928-C-T. GRCh37 (hg19) VCF-style: chr5-169412932-C-T.
Identifiers: ClinVar variation 1953260 (VCV001953260.5), dbSNP rs770709591, ClinGen allele CA807443447.
Genomic context (GRCh38, chr5:169,985,928, plus strand): 5'-TTGGAAAGAACGTGTACCCTGGAGACTGGATGGCCATGAGCATGGTTCAAAACAGGTGAG[C>T]TGCTACCTGCTTCCGCAAAGCTACCTTACCCAGCCCTCACTTCAAAGATCACTTATTTTG-3'

ClinVar aggregate classification (germline): Uncertain significance (1 of 4 stars; one submission).

Conditions:
DOCK2 deficiency. Also called: Immunodeficiency 40. Identifiers: Orphanet 447737, MedGen C4225328, MONDO:0014637, OMIM 616433.

Allele frequency attached by ClinVar (database versions not stated): TOPMed below 0.00001.
gnomAD v4.1: 6 of 1,600,684 alleles (0.00037%); highest among the groups gnomAD compares: African/African-American, 0.0054%; no homozygotes.

Submission:

Labcorp Genetics (formerly Invitae), Labcorp
Classification: Uncertain significance for DOCK2 deficiency. Last evaluated: 2025-05-23. Review status: criteria provided, single submitter. Criteria: Invitae Variant Classification Sherloc (09022015). Collection method: clinical testing. Allele origin: germline.
Comment: This sequence change falls in intron 29 of the DOCK2 gene. It does not directly change the encoded amino acid sequence of the DOCK2 protein. It affects a nucleotide within the consensus splice site. This variant is not present in population databases (gnomAD no frequency). This variant has not been reported in the literature in individuals affected with DOCK2-related conditions. ClinVar contains an entry for this variant (Variation ID: 1953260). Variants that disrupt the consensus splice site are a relatively common cause of aberrant splicing (PMID: 17576681, 9536098). Algorithms developed to predict the effect of sequence changes on RNA splicing suggest that this variant is not likely to affect RNA splicing. In summary, the available evidence is currently insufficient to determine the role of this variant in disease. Therefore, it has been classified as a Variant of Uncertain Significance.

Literature cited by the submitters: PubMed 17576681; PubMed 9536098.